The following is an entry in ClinVar:

ClinVar aggregate classification (germline): Pathogenic (1 of 4 stars; one submission).

Submission:

CeGaT Center for Human Genetics Tuebingen
Classification: Pathogenic. Last evaluated: 2023-10-01. Review status: criteria provided, single submitter. Criteria: CeGaT Center For Human Genetics Tuebingen Variant Classification Criteria Version 2. Collection method: clinical testing. Allele origin: germline. Affected: yes. Observed: 1 variant allele.
Comment: EDEM3: PVS1, PM2, PM3:Supporting

NM_025191.4(EDEM3):c.346-1G>A

Gene: EDEM3 (ER degradation enhancing alpha-mannosidase like protein 3; minus strand). Cytogenetic location: 1q25.3.
Variant type: single nucleotide variant.
Coding change: c.346-1G>A on transcript NM_025191.4 (MANE Select); the canonical splice acceptor site of the intron before coding-DNA position 346, G replaced by A.
Molecular consequence: splice acceptor variant.
Genome position (GRCh38, 1-based): chr1:184,734,644, C>T on the plus strand (G>A on the coding strand, the complement: EDEM3 is on the minus strand). VCF-style: chr1-184734644-C-T. GRCh37 (hg19) VCF-style: chr1-184703778-C-T.
Other names: c.346-1G>A (NM_001319960.2).
Identifiers: ClinVar variation 2639636 (VCV002639636.24), dbSNP rs750470640, ClinGen allele CA343864836.
Genomic context (GRCh38, chr1:184,734,644, plus strand): 5'-ATTAACATCTCTTAAAACTTTTCTCACTGCATCTTCAAATTCTTTAGTTTTATTTAAAAC[C>T]TGGGAGAAGAAAATTATGAAATAAAGTTCTTTTCTACCAAGACAAGGAGAAACGTTCCTA-3'